The following is an entry in ClinVar:

NM_013432.5(TONSL):c.1579G>A (p.Asp527Asn)

Genes: TONSL (tonsoku like, DNA repair protein; minus strand), TONSL-AS1 (TONSL antisense RNA 1; plus strand). Cytogenetic location: 8q24.3.
Variant type: single nucleotide variant.
Coding change: c.1579G>A on transcript NM_013432.5 (MANE Select); coding-DNA position 1579, G replaced by A.
Protein change: p.Asp527Asn; replaces aspartic acid 527 with asparagine.
Molecular consequence: missense variant.
Genome position (GRCh38, 1-based): chr8:144,438,545, C>T on the plus strand (G>A on the coding strand, the complement: TONSL is on the minus strand). VCF-style: chr8-144438545-C-T. GRCh37 (hg19) VCF-style: chr8-145663928-C-T.
Other names: c.1579G>A (NM_013432.4); short protein forms D527N.
Identifiers: ClinVar variation 2057275 (VCV002057275.2), dbSNP rs750553346, ClinGen allele CA187672365.
Genomic context (GRCh38, chr8:144,438,545, plus strand): 5'-CCTGGACGCGGCGCAGCTGGCCCTCGATGCAGGCTCGGTGCAGCAGGGTCTCCCCCATGT[C>T]GTTTCGCCGGTTCCACTGTGGGCACAGCCAACCCAGCACAGGGCAGGGGCGTGAGGAGCT-3'
Protein context (NP_038460.4, residues 517-537): RKGSKWNRRN[Asp527Asn]MGETLLHRAC

ClinVar aggregate classification (germline): Uncertain significance. Review status: criteria provided, multiple submitters, no conflicts (2 of 4 stars). 2 submissions from 2 submitters: Uncertain significance (2). Last evaluated 2025-01-19.

Conditions:
Inborn genetic diseases. Identifiers: MedGen C0950123, MeSH D030342.

Allele frequency attached by ClinVar (database versions not stated): gnomAD exomes 0.00001; gnomAD 0.00005; TOPMed 0.00005.
gnomAD v4.1: 22 of 1,612,782 alleles (0.0014%); highest among the groups gnomAD compares: African/African-American, 0.019%; no homozygotes.

Submissions (2):

Ambry Genetics
Classification: Uncertain significance for Inborn genetic diseases. Last evaluated: 2025-01-19. Review status: criteria provided, single submitter. Criteria: Ambry Variant Classification Scheme 2023. Collection method: clinical testing. Allele origin: germline.

Labcorp Genetics (formerly Invitae), Labcorp
Classification: Uncertain significance. Last evaluated: 2022-03-11. Review status: criteria provided, single submitter. Criteria: Invitae Variant Classification Sherloc (09022015). Collection method: clinical testing. Allele origin: germline.
Comment: This sequence change replaces aspartic acid, which is acidic and polar, with asparagine, which is neutral and polar, at codon 527 of the TONSL protein (p.Asp527Asn). This variant is present in population databases (rs750553346, gnomAD 0.02%). This variant has not been reported in the literature in individuals affected with TONSL-related conditions. Algorithms developed to predict the effect of missense changes on protein structure and function are either unavailable or do not agree on the potential impact of this missense change (SIFT: "Tolerated"; PolyPhen-2: "Probably Damaging"; Align-GVGD: "Class C0"). In summary, the available evidence is currently insufficient to determine the role of this variant in disease. Therefore, it has been classified as a Variant of Uncertain Significance.